The following is an entry in ClinVar:

NM_001290043.2(TAP2):c.162G>T (p.Lys54Asn)

Gene: TAP2 (transporter 2, ATP binding cassette subfamily B member; minus strand). Cytogenetic location: 6p21.32.
Variant type: single nucleotide variant.
Coding change: c.162G>T on transcript NM_001290043.2 (MANE Select); coding-DNA position 162, G replaced by T.
Protein change: p.Lys54Asn; replaces lysine 54 with asparagine.
Molecular consequence: missense variant.
Genome position (GRCh38, 1-based): chr6:32,838,072, C>A on the plus strand (G>T on the coding strand, the complement: TAP2 is on the minus strand). VCF-style: chr6-32838072-C-A. GRCh37 (hg19) VCF-style: chr6-32805849-C-A.
Other names: c.162G>T, p.Lys54Asn (NM_000544.3, NM_018833.3); short protein forms K54N.
Identifiers: ClinVar variation 1717233 (VCV001717233.5), dbSNP rs56064400, ClinGen allele CA363587168.
Genomic context (GRCh38, chr6:32,838,072, plus strand): 5'-GGGGGTGGCCAGACAGAGCGGGAGCAGCAGTGTCCCCACAAATCCCAGCAGCCCTCTTAG[C>A]TTTAGCAGCCCCCACAGCCCTCCCAGCCGCAGGGTCCCCTCCAGCCATAGTCCTGGCAGC-3'
Protein context (NP_001276972.1, residues 44-64): LRLGGLWGLL[Lys54Asn]LRGLLGFVGT

ClinVar aggregate classification (germline): Uncertain significance (1 of 4 stars; one submission).

Conditions:
MHC class I deficiency. Identifiers: Orphanet 34592, MedGen C6024714, MONDO:0011476.

Submission:

Labcorp Genetics (formerly Invitae), Labcorp
Classification: Uncertain significance for MHC class I deficiency 1. Last evaluated: 2025-04-07. Review status: criteria provided, single submitter. Criteria: Invitae Variant Classification Sherloc (09022015). Collection method: clinical testing. Allele origin: germline.
Comment: This sequence change replaces lysine, which is basic and polar, with asparagine, which is neutral and polar, at codon 54 of the TAP2 protein (p.Lys54Asn). This variant is not present in population databases (gnomAD no frequency). This variant has not been reported in the literature in individuals affected with TAP2-related conditions. ClinVar contains an entry for this variant (Variation ID: 1717233). Experimental studies and prediction algorithms are not available or were not evaluated, and the functional significance of this variant is currently unknown. In summary, the available evidence is currently insufficient to determine the role of this variant in disease. Therefore, it has been classified as a Variant of Uncertain Significance.